The following is an entry in ClinVar:

ClinVar aggregate classification (germline): Uncertain significance. Review status: criteria provided, multiple submitters, no conflicts (2 of 4 stars). 2 submissions from 2 submitters: Uncertain significance (2). Last evaluated 2025-09-22.

Submissions (2):

Ambry Genetics
Classification: Uncertain significance. Last evaluated: 2025-09-22. Review status: criteria provided, single submitter. Criteria: Ambry Variant Classification Scheme 2023. Collection method: clinical testing. Allele origin: germline.

Labcorp Genetics (formerly Invitae), Labcorp
Classification: Uncertain significance. Last evaluated: 2024-03-20. Review status: criteria provided, single submitter. Criteria: Invitae Variant Classification Sherloc (09022015). Collection method: clinical testing. Allele origin: germline.
Comment: This sequence change replaces alanine, which is neutral and non-polar, with serine, which is neutral and polar, at codon 402 of the RIMS1 protein (p.Ala402Ser). The frequency data for this variant in the population databases is considered unreliable, as metrics indicate poor data quality at this position in the gnomAD database. This variant has not been reported in the literature in individuals affected with RIMS1-related conditions. ClinVar contains an entry for this variant (Variation ID: 1930279). Algorithms developed to predict the effect of missense changes on protein structure and function output the following: SIFT: "Not Available"; PolyPhen-2: "Benign"; Align-GVGD: "Not Available". The serine amino acid residue is found in multiple mammalian species, which suggests that this missense change does not adversely affect protein function. In summary, the available evidence is currently insufficient to determine the role of this variant in disease. Therefore, it has been classified as a Variant of Uncertain Significance.

NM_014989.7(RIMS1):c.1204G>T (p.Ala402Ser)

Gene: RIMS1 (regulating synaptic membrane exocytosis 1; plus strand). Cytogenetic location: 6q13.
Variant type: single nucleotide variant.
Coding change: c.1204G>T on transcript NM_014989.7 (MANE Select); coding-DNA position 1204, G replaced by T.
Protein change: p.Ala402Ser; replaces alanine 402 with serine.
Molecular consequence: missense variant.
Genome position (GRCh38, 1-based): chr6:72,182,675, G>T. VCF-style: chr6-72182675-G-T. GRCh37 (hg19) VCF-style: chr6-72892378-G-T.
Other names: c.1204G>T (NM_014989.4); short protein forms A402S.
Identifiers: ClinVar variation 1930279 (VCV001930279.6), dbSNP rs1029173271, ClinGen allele CA364820478.